The following is an entry in ClinVar:

NM_001079668.3(NKX2-1):c.266_269delinsCAC (p.Gly89fs)

Genes: NKX2-1 (NK2 homeobox 1; minus strand), SFTA3 (surfactant associated 3; minus strand). Cytogenetic location: 14q13.3.
Variant type: Indel.
Coding change: c.266_269delinsCAC on transcript NM_001079668.3 (MANE Select); coding-DNA positions 266 to 269, GGCA replaced by CAC.
Protein change: p.Gly89fs; shifts the reading frame from glycine 89.
Molecular consequence: frameshift variant.
Genome position (GRCh38, 1-based): chr14:36,519,179-36,519,182, TGCC replaced by GTG on the plus strand (GGCA replaced by CAC on the coding strand, the reverse complement: NKX2-1 is on the minus strand). VCF-style: chr14-36519179-TGCC-GTG. GRCh37 (hg19) VCF-style: chr14-36988384-TGCC-GTG.
Other names: c.266_269delGGCAinsCAC (NM_001079668.2); c.176_179delinsCAC, p.Gly59fs (NM_003317.4); short protein forms G59fs, G89fs.
Identifiers: ClinVar variation 504199 (VCV000504199.4), dbSNP rs1555349390, ClinGen allele CA658798209.

ClinVar aggregate classification (germline): Pathogenic. Review status: criteria provided, single submitter (1 of 4 stars). 2 submissions from 1 submitter: Pathogenic (1). 1 of the submissions does not count toward it. Last evaluated 2022-11-07.

Submissions (2):

GeneDx
Classification: Pathogenic. Last evaluated: 2022-11-07. Review status: criteria provided, single submitter. Criteria: GeneDx Variant Classification Process June 2021. Collection method: clinical testing. Allele origin: germline. Affected: yes.
Comment: Frameshift variant predicted to result in protein truncation or nonsense mediated decay in a gene for which loss of function is a known mechanism of disease; Not observed at significant frequency in large population cohorts (gnomAD); Has not been previously published as pathogenic or benign to our knowledge

GeneDx
Classification: Pathogenic. Last evaluated: 2021-10-15. Review status: flagged submission. Criteria: GeneDx Variant Classification Process June 2021. Collection method: clinical testing. Allele origin: germline. Affected: yes. Not counted in ClinVar's aggregate classification.
Comment: Frameshift variant predicted to result in protein truncation or nonsense mediated decay in a gene for which loss-of-function is a known mechanism of disease; Not observed at significant frequency in large population cohorts (Lek et al., 2016); Has not been previously published as pathogenic or benign to our knowledge
ClinVar note: Reason: This record appears to be redundant with a more recent record from the same submitter.
ClinVar note: Notes: SCV000710510 appears to be redundant with SCV000710515.